The following is an entry in ClinVar:

NM_000092.5(COL4A4):c.2558G>T (p.Gly853Val)

Gene: COL4A4 (collagen type IV alpha 4 chain; minus strand). Cytogenetic location: 2q36.3.
Variant type: single nucleotide variant.
Coding change: c.2558G>T on transcript NM_000092.5 (MANE Select); coding-DNA position 2558, G replaced by T.
Protein change: p.Gly853Val; replaces glycine 853 with valine.
Molecular consequence: missense variant.
Genome position (GRCh38, 1-based): chr2:227,056,103, C>A on the plus strand (G>T on the coding strand, the complement: COL4A4 is on the minus strand). VCF-style: chr2-227056103-C-A. GRCh37 (hg19) VCF-style: chr2-227920819-C-A.
Other names: short protein forms G853V.
Identifiers: ClinVar variation 3233959 (VCV003233959.2), dbSNP rs2474124089, ClinGen allele CA350841119.
Genomic context (GRCh38, chr2:227,056,103, plus strand): 5'-CCGGGGAGGCCTTTCATTCCAGCTGGCCCGGGAGGCCCCACATCTCCCGGCTGTCCTTTC[C>A]CACCTGGAGCACCTAAGACAAACCACAGTGACCACAGTGTGTGAAGGCTGAACACTGGCT-3'
Protein context (NP_000083.3, residues 843-863): GYPGSPGAPG[Gly853Val]KGQPGDVGPP

ClinVar aggregate classification (germline): Uncertain significance (1 of 4 stars; one submission).

Submission:

Women's Health and Genetics/Laboratory Corporation of America, LabCorp
Classification: Uncertain significance. Last evaluated: 2024-03-14. Review status: criteria provided, single submitter. Criteria: LabCorp Variant Classification Summary - May 2015. Collection method: clinical testing. Allele origin: germline.
Comment: Variant summary: COL4A4 c.2558G>T (p.Gly853Val) results in a non-conservative amino acid change in the encoded protein sequence. Three of five in-silico tools predict a benign effect of the variant on protein function. The variant was absent in 249324 control chromosomes. The available data on variant occurrences in the general population are insufficient to allow any conclusion about variant significance. To our knowledge, no occurrence of c.2558G>T in individuals affected with Alport Syndrome, Autosomal Recessive and no experimental evidence demonstrating its impact on protein function have been reported. No submitters have cited clinical-significance assessments for this variant to ClinVar. Based on the evidence outlined above, the variant was classified as uncertain significance.